The following is an entry in ClinVar:

NM_024666.5(AAGAB):c.329T>A (p.Met110Lys)

Gene: AAGAB (alpha and gamma adaptin binding protein; minus strand). Cytogenetic location: 15q23.
Variant type: single nucleotide variant.
Coding change: c.329T>A on transcript NM_024666.5 (MANE Select); coding-DNA position 329, T replaced by A.
Protein change: p.Met110Lys; replaces methionine 110 with lysine.
Molecular consequence: missense variant. On other transcripts: initiator codon variant (2).
Genome position (GRCh38, 1-based): chr15:67,236,440, A>T on the plus strand (T>A on the coding strand, the complement: AAGAB is on the minus strand). VCF-style: chr15-67236440-A-T. GRCh37 (hg19) VCF-style: chr15-67528778-A-T.
Other names: c.2T>A, p.Met1Lys (NM_001271885.2, NM_001271886.2); short protein forms M110K, M1K.
Identifiers: ClinVar variation 708822 (VCV000708822.35), dbSNP rs186662479, ClinGen allele CA7627163.
Genomic context (GRCh38, chr15:67,236,440, plus strand): 5'-CAACTACTGTCCCATCCACAGGCCTTACCATCTTCAGACACTCTATCGCAGACCAAGATC[A>T]TCACCTCAGGTAACCATGCTTTTGCCAGTGGAAGCCATGAGGAGACACTATCAAGGCCCG-3'
Protein context (NP_078942.3, residues 100-120): PLAKAWLPEV[Met110Lys]ILVCDRVSED

ClinVar aggregate classification (germline): Benign/Likely benign. Review status: criteria provided, multiple submitters, no conflicts (2 of 4 stars). 3 submissions from 3 submitters: Benign (2); Likely benign (1). Last evaluated 2025-10-24.

Allele frequency attached by ClinVar (database versions not stated): 1000 Genomes Project 30x 0.00109; 1000 Genomes Project 0.00120; TOPMed 0.00357; ESP Exome Variant Server 0.00463; gnomAD 0.00567.

Submissions (3):

Labcorp Genetics (formerly Invitae), Labcorp
Classification: Benign. Last evaluated: 2025-10-24. Review status: criteria provided, single submitter. Criteria: Invitae Variant Classification Sherloc (09022015). Collection method: clinical testing. Allele origin: germline.

CeGaT Center for Human Genetics Tuebingen
Classification: Likely benign. Last evaluated: 2025-08-01. Review status: criteria provided, single submitter. Criteria: CeGaT Center For Human Genetics Tuebingen Variant Classification Criteria Version 2. Collection method: clinical testing. Allele origin: germline. Affected: yes. Observed: 2 variant alleles.
Comment: AAGAB: BS2

Breakthrough Genomics
Classification: Benign. Review status: criteria provided, single submitter. Criteria: ACMG Guidelines, 2015. Collection method: not provided. Allele origin: germline. Inheritance: Autosomal dominant inheritance. Affected: yes.